The following is an entry in ClinVar:

NM_001370466.1(NOD2):c.394C>T (p.Arg132Trp)

Gene: NOD2 (nucleotide binding oligomerization domain containing 2; plus strand). Cytogenetic location: 16q12.1.
Variant type: single nucleotide variant.
Coding change: c.394C>T on transcript NM_001370466.1 (MANE Select); coding-DNA position 394, C replaced by T.
Protein change: p.Arg132Trp; replaces arginine 132 with tryptophan.
Molecular consequence: missense variant. On other transcripts: non-coding transcript variant (1).
Genome position (GRCh38, 1-based): chr16:50,699,889, C>T. VCF-style: chr16-50699889-C-T. GRCh37 (hg19) VCF-style: chr16-50733800-C-T.
Other names: c.475C>T (NM_022162.1); c.394C>T, p.Arg132Trp (NM_001293557.2); c.475C>T, p.Arg159Trp (NM_022162.3); short protein forms R159W, R132W.
Identifiers: ClinVar variation 851178 (VCV000851178.12), dbSNP rs562557464, ClinGen allele CA8051284.
Genomic context (GRCh38, chr16:50,699,889, plus strand): 5'-CCAGCCATTGTCAGGAGGCTCCACAGCCATGTGGAGAACATGCTGGACCTGGCATGGGAG[C>T]GGGGTTTCGTCAGCCAGTATGAATGTGATGAAATCAGGTTGCCGATCTTCACACCGTCCC-3'
Protein context (NP_001357395.1, residues 122-142): VENMLDLAWE[Arg132Trp]GFVSQYECDE

ClinVar aggregate classification (germline): Uncertain significance. Review status: criteria provided, multiple submitters, no conflicts (2 of 4 stars). 3 submissions from 3 submitters: Uncertain significance (3). Last evaluated 2026-01-23.

Conditions:
Inborn genetic diseases. Identifiers: MedGen C0950123, MeSH D030342.
Blau syndrome (BLAUS). Also called: ARTHROCUTANEOUVEAL GRANULOMATOSIS; GRANULOMATOSIS, FAMILIAL JUVENILE SYSTEMIC; GRANULOMATOSIS, FAMILIAL, BLAU TYPE; GRANULOMATOUS INFLAMMATORY ARTHRITIS, DERMATITIS, AND UVEITIS, FAMILIAL; JABS SYNDROME. Identifiers: Orphanet 90340, MedGen C5201146, MONDO:0008523, OMIM 186580.
Regional enteritis. Also called: Enteritis, Granulomatous. Identifiers: MedGen C0678202, MeSH D003424.

Allele frequency attached by ClinVar (database versions not stated): gnomAD 0.00001; gnomAD exomes 0.00001 and 0.00002; TOPMed 0.00001; ExAC 0.00002; 1000 Genomes Project 30x 0.00016; 1000 Genomes Project 0.00020.
gnomAD v4.1: 14 of 1,612,748 alleles (0.00087%); highest among the groups gnomAD compares: African/African-American, 0.004%; no homozygotes.

Submissions (3):

Women's Health and Genetics/Laboratory Corporation of America, LabCorp
Classification: Uncertain significance. Last evaluated: 2026-01-23. Review status: criteria provided, single submitter. Criteria: LabCorp Variant Classification Summary - May 2015. Collection method: clinical testing. Allele origin: germline.

Labcorp Genetics (formerly Invitae), Labcorp
Classification: Uncertain significance for Regional enteritis; Blau syndrome. Last evaluated: 2025-04-29. Review status: criteria provided, single submitter. Criteria: Invitae Variant Classification Sherloc (09022015). Collection method: clinical testing. Allele origin: germline.
Comment: This sequence change replaces arginine, which is basic and polar, with tryptophan, which is neutral and slightly polar, at codon 159 of the NOD2 protein (p.Arg159Trp). This variant is present in population databases (rs562557464, gnomAD 0.007%). This variant has not been reported in the literature in individuals affected with NOD2-related conditions. ClinVar contains an entry for this variant (Variation ID: 851178). Invitae Evidence Modeling of protein sequence and biophysical properties (such as structural, functional, and spatial information, amino acid conservation, physicochemical variation, residue mobility, and thermodynamic stability) indicates that this missense variant is not expected to disrupt NOD2 protein function with a negative predictive value of 95%. In summary, the available evidence is currently insufficient to determine the role of this variant in disease. Therefore, it has been classified as a Variant of Uncertain Significance.

Ambry Genetics
Classification: Uncertain significance for Inborn genetic diseases. Last evaluated: 2024-01-03. Review status: criteria provided, single submitter. Criteria: Ambry Variant Classification Scheme 2023. Collection method: clinical testing. Allele origin: germline.